The following is an entry in ClinVar:

NM_001792.5(CDH2):c.1487A>T (p.Tyr496Phe)

Gene: CDH2 (cadherin 2; minus strand). Cytogenetic location: 18q12.1.
Variant type: single nucleotide variant.
Coding change: c.1487A>T on transcript NM_001792.5 (MANE Select); coding-DNA position 1487, A replaced by T.
Protein change: p.Tyr496Phe; replaces tyrosine 496 with phenylalanine.
Molecular consequence: missense variant.
Genome position (GRCh38, 1-based): chr18:27,990,208, T>A on the plus strand (A>T on the coding strand, the complement: CDH2 is on the minus strand). VCF-style: chr18-27990208-T-A. GRCh37 (hg19) VCF-style: chr18-25570172-T-A.
Other names: c.1394A>T, p.Tyr465Phe (NM_001308176.2); short protein forms Y465F, Y496F.
Identifiers: ClinVar variation 4826755 (VCV004826755.1).
Genomic context (GRCh38, chr18:27,990,208, plus strand): 5'-AACATGGTACCGGCATGAAGCCCTTCTTCTTGGCGAATGATCTTAGGATTGGGGGCAAAA[T>A]AAGGGTTTTCATTTACGTCAATAACTGTAACAGACACGGTTGCAGTTGACTGAGGGGGGT-3'
Protein context (NP_001783.2, residues 486-506): VTVIDVNENP[Tyr496Phe]FAPNPKIIRQ

ClinVar aggregate classification (germline): Uncertain significance (1 of 4 stars; one submission).

Conditions:
Inborn genetic diseases. Identifiers: MedGen C0950123, MeSH D030342.

Submission:

Ambry Genetics
Classification: Uncertain significance for Inborn genetic diseases. Last evaluated: 2026-03-11. Review status: criteria provided, single submitter. Criteria: Ambry Variant Classification Scheme 2023. Collection method: clinical testing. Allele origin: germline.
Comment: The p.Y496F variant (also known as c.1487A>T), located in coding exon 10 of the CDH2 gene, results from an A to T substitution at nucleotide position 1487. The tyrosine at codon 496 is replaced by phenylalanine, an amino acid with highly similar properties. This amino acid position is conserved. In addition, this alteration is predicted to be tolerated by in silico analysis. Based on the available evidence, the clinical significance of this variant remains unclear.